The following is an entry in ClinVar:

ClinVar aggregate classification (germline): Pathogenic (1 of 4 stars; one submission).

Conditions:
Hereditary hemochromatosis (HFE). Identifiers: MedGen C0392514, MONDO:0006507. Disease mechanism: loss of function.

Submission:

Labcorp Genetics (formerly Invitae), Labcorp
Classification: Pathogenic for Hereditary hemochromatosis. Last evaluated: 2024-03-03. Review status: criteria provided, single submitter. Criteria: Invitae Variant Classification Sherloc (09022015). Collection method: clinical testing. Allele origin: germline.
Comment: This sequence change creates a premature translational stop signal (p.Leu7Serfs*54) in the TFR2 gene. It is expected to result in an absent or disrupted protein product. Loss-of-function variants in TFR2 are known to be pathogenic (PMID: 23600741, 26029709). This variant is not present in population databases (gnomAD no frequency). This variant has not been reported in the literature in individuals affected with TFR2-related conditions. ClinVar contains an entry for this variant (Variation ID: 1979493). For these reasons, this variant has been classified as Pathogenic.

Literature cited by the submitters: PubMed 23600741; PubMed 26029709.

NM_003227.4(TFR2):c.18dup (p.Leu7fs)

Gene: TFR2 (transferrin receptor 2; minus strand). Cytogenetic location: 7q22.1.
Variant type: Duplication.
Coding change: c.18dup on transcript NM_003227.4 (MANE Select); coding-DNA position 18, one base duplicated (T; older notation c.18dupT).
Protein change: p.Leu7fs; shifts the reading frame from leucine 7.
Molecular consequence: frameshift variant.
Genome position (GRCh38, 1-based): chr7:100,641,492, A duplicated on the plus strand (T on the coding strand, the reverse complement: TFR2 is on the minus strand). VCF-style (leftmost placement, unchanged base first): chr7-100641491-G-GA. GRCh37 (hg19) VCF-style: chr7-100239114-G-GA.
Other names: short protein forms L7fs.
Identifiers: ClinVar variation 1979493 (VCV001979493.4), dbSNP rs2486148789, ClinGen allele CA2580075994.